The following is an entry in ClinVar:

ClinVar aggregate classification (germline): Uncertain significance (1 of 4 stars; one submission).

Submission:

GeneDx
Classification: Uncertain significance. Last evaluated: 2025-02-11. Review status: criteria provided, single submitter. Criteria: GeneDx Variant Classification Process June 2021. Collection method: clinical testing. Allele origin: germline. Affected: yes.
Comment: Not observed at significant frequency in large population cohorts (gnomAD); In silico analysis supports that this missense variant has a deleterious effect on protein structure/function; Has not been previously published as pathogenic or benign to our knowledge

NM_006734.4(HIVEP2):c.719C>T (p.Ala240Val)

Gene: HIVEP2 (HIVEP zinc finger 2; minus strand). Cytogenetic location: 6q24.2.
Variant type: single nucleotide variant.
Coding change: c.719C>T on transcript NM_006734.4 (MANE Select); coding-DNA position 719, C replaced by T.
Protein change: p.Ala240Val; replaces alanine 240 with valine.
Molecular consequence: missense variant.
Genome position (GRCh38, 1-based): chr6:142,774,020, G>A on the plus strand (C>T on the coding strand, the complement: HIVEP2 is on the minus strand). VCF-style: chr6-142774020-G-A. GRCh37 (hg19) VCF-style: chr6-143095157-G-A.
Other names: c.719C>T, p.Ala240Val (NM_001438449.1, NM_001438450.1, NM_001438451.1); short protein forms A240V.
Identifiers: ClinVar variation 4075551 (VCV004075551.1).